The following is an entry in ClinVar:

ClinVar aggregate classification (germline): Pathogenic. Review status: criteria provided, multiple submitters, no conflicts (2 of 4 stars). 6 submissions from 6 submitters: Pathogenic (6). Last evaluated 2025-08-21.

Conditions:
Hereditary cancer-predisposing syndrome. Also called: Neoplastic Syndromes, Hereditary; Tumor predisposition; Hereditary Cancer Syndrome; Hereditary neoplastic syndrome. Identifiers: Orphanet 140162, MedGen C0027672, MeSH D009386, MONDO:0015356.
Cardiovascular phenotype. Identifiers: MedGen CN230736.
LZTR1-associated CaLMs-syndrome.
LZTR1-related schwannomatosis. Also called: Schwannomatosis 2; Schwannomatosis-2, susceptibility to. Identifiers: Orphanet 93921, MedGen C3810283, MONDO:0014299, OMIM 615670.

gnomAD v4.1: 8 of 1,613,476 alleles (0.0005%); highest among the groups gnomAD compares: African/African-American, 0.0027%; no homozygotes.

Submissions (6):

Institute of Human Genetics, University of Leipzig Medical Center
Classification: Pathogenic for LZTR1-associated CaLMs-syndrome. Last evaluated: 2025-08-21. Review status: criteria provided, single submitter. Criteria: ACMG Guidelines, 2015. Collection method: clinical testing. Allele origin: unknown. Inheritance: Autosomal dominant inheritance. Affected: yes.
Comment: Criteria applied: PVS1,PM5_STR

Ambry Genetics
Classification: Pathogenic for Cardiovascular phenotype; Hereditary cancer-predisposing syndrome. Last evaluated: 2025-06-23. Review status: criteria provided, single submitter. Criteria: Ambry Variant Classification Scheme 2023. Collection method: clinical testing. Allele origin: germline.
Comment: The c.2325+1G>A intronic pathogenic mutation results from a G to A substitution one nucleotide after coding exon 19 of the LZTR1 gene. This variant has been confirmed in trans with an LZTR1 mutation in individual with a clinical diagnosis of Noonan syndrome (Johnston JJ et al. Genet Med, 2018 Oct;20:1175-1185). This variant is considered to be rare based on population cohorts in the Genome Aggregation Database (gnomAD). This nucleotide position is highly conserved in available vertebrate species. In silico splice site analysis predicts that this alteration will weaken the native splice donor site. In addition to the clinical data presented in the literature, alterations that disrupt the canonical splice site are expected to cause aberrant splicing, resulting in an abnormal protein or a transcript that is subject to nonsense-mediated mRNA decay. Loss-of-function variants in LZTR1 are related to an increased risk for schwannomas and autosomal recessive Noonan syndrome; however, such associations with autosomal dominant Noonan syndrome have not been observed (Piotrowski A et al. Nat Genet. 2014 Feb;46:182-7; Yamamoto GL et al. J Med Genet. 2015 Jun;52:413-21; Johnston JJ et al. Genet Med. 2018 10;20:1175-1185). Based on the supporting evidence, this variant is pathogenic for an increased risk of LZTR1-related schwannomatosis (SWN) and would be expected to cause autosomal recessive Noonan syndrome when present along with a second pathogenic or likely pathogenic variant on the other allele; however, the association of this alteration with autosomal dominant Noonan syndrome is unlikely.

Dasa
Classification: Pathogenic. Last evaluated: 2025-01-05. Review status: criteria provided, single submitter. Criteria: DASA Assertion Criteria. Collection method: clinical testing. Allele origin: germline.
Comment: NM_006767.4(LZTR1):c.2325+1G>A affects a canonical splice site and is predicted to disrupt normal RNA splicing, leading to loss of normal protein function. Loss-of-function is an established mechanism of disease for this gene. This variant has been reported in an affected individual with related phenotype in a genotype context consistent with recessive disease (PMID: 29469822). The variant is present at low frequency in population datasets. Based on the available data, this variant is classified as pathogenic.

GeneDx
Classification: Pathogenic. Last evaluated: 2024-03-05. Review status: criteria provided, single submitter. Criteria: GeneDx Variant Classification Process June 2021. Collection method: clinical testing. Allele origin: germline. Affected: yes.
Comment: Canonical splice site variant predicted to result in a null allele in a gene for which loss of function is a known mechanism of disease; Not observed at significant frequency in large population cohorts (gnomAD); This variant is associated with the following publications: (PMID: 29469822)

Labcorp Genetics (formerly Invitae), Labcorp
Classification: Pathogenic. Last evaluated: 2024-01-14. Review status: criteria provided, single submitter. Criteria: Invitae Variant Classification Sherloc (09022015). Collection method: clinical testing. Allele origin: germline.
Comment: This sequence change affects a donor splice site in intron 19 of the LZTR1 gene. It is expected to disrupt RNA splicing. Variants that disrupt the donor or acceptor splice site typically lead to a loss of protein function (PMID: 16199547), and loss-of-function variants in LZTR1 are known to be pathogenic (PMID: 24362817, 25335493, 25480913, 25795793, 29469822, 30368668, 30442762, 30442766, 30481304, 30859559). This variant is not present in population databases (gnomAD no frequency). Disruption of this splice site has been observed in individual(s) with Noonan syndrome (PMID: 29469822). In at least one individual the data is consistent with being in trans (on the opposite chromosome) from a pathogenic variant. ClinVar contains an entry for this variant (Variation ID: 2574541). Algorithms developed to predict the effect of sequence changes on RNA splicing suggest that this variant may disrupt the consensus splice site. For these reasons, this variant has been classified as Pathogenic.

Baylor Genetics
Classification: Pathogenic for LZTR1-related schwannomatosis. Last evaluated: 2023-08-20. Review status: criteria provided, single submitter. Criteria: ACMG Guidelines, 2015. Collection method: clinical testing. Allele origin: unknown.

Literature cited by the submitters: PubMed 39140257 (cited by Institute of Human Genetics, University of Leipzig Medical Center); PubMed 29469822 (cited by 3 submitters); PubMed 16199547 (cited by Labcorp Genetics (formerly Invitae), Labcorp); PubMed 24362817 (cited by Labcorp Genetics (formerly Invitae), Labcorp); PubMed 25335493 (cited by Labcorp Genetics (formerly Invitae), Labcorp); PubMed 25480913 (cited by Labcorp Genetics (formerly Invitae), Labcorp); PubMed 25795793 (cited by Labcorp Genetics (formerly Invitae), Labcorp); PubMed 30368668 (cited by Labcorp Genetics (formerly Invitae), Labcorp); PubMed 30442762 (cited by Labcorp Genetics (formerly Invitae), Labcorp); PubMed 30442766 (cited by Labcorp Genetics (formerly Invitae), Labcorp); PubMed 30481304 (cited by Labcorp Genetics (formerly Invitae), Labcorp); PubMed 30859559 (cited by Labcorp Genetics (formerly Invitae), Labcorp).

NM_006767.4(LZTR1):c.2325+1G>A

Gene: LZTR1 (leucine zipper like post translational regulator 1; plus strand). Cytogenetic location: 22q11.21.
Variant type: single nucleotide variant.
Coding change: c.2325+1G>A on transcript NM_006767.4 (MANE Select); the canonical splice donor site of the intron after coding-DNA position 2325, G replaced by A.
Molecular consequence: splice donor variant.
Genome position (GRCh38, 1-based): chr22:20,996,802, G>A. VCF-style: chr22-20996802-G-A. GRCh37 (hg19) VCF-style: chr22-21351091-G-A.
Other names: c.2325+1G>A (NM_006767.3).
Identifiers: ClinVar variation 2574541 (VCV002574541.9), dbSNP rs1263566071, ClinGen allele CA410780952.